The following is an entry in ClinVar:

NM_001267550.2(TTN):c.66376T>C (p.Tyr22126His)

Genes: TTN (titin; minus strand), TTN-AS1 (TTN antisense RNA 1; plus strand). Cytogenetic location: 2q31.2.
Variant type: single nucleotide variant.
Coding change: c.66376T>C on transcript NM_001267550.2 (MANE Select); coding-DNA position 66376, T replaced by C.
Protein change: p.Tyr22126His; replaces tyrosine 22126 with histidine.
Molecular consequence: missense variant.
Genome position (GRCh38, 1-based): chr2:178,581,993, A>G on the plus strand (T>C on the coding strand, the complement: TTN is on the minus strand). VCF-style: chr2-178581993-A-G. GRCh37 (hg19) VCF-style: chr2-179446720-A-G.
Other names: p.Tyr19558His; c.66376T>C (NM_001267550.1); c.61453T>C, p.Tyr20485His (NM_001256850.1); c.39181T>C, p.Tyr13061His (NM_003319.4); c.58672T>C, p.Tyr19558His (NM_133378.4); c.39556T>C, p.Tyr13186His (NM_133432.3); c.39757T>C, p.Tyr13253His (NM_133437.4); short protein forms Y13186H, Y22126H, Y13061H, Y13253H, Y20485H, Y19558H.
Identifiers: ClinVar variation 894738 (VCV000894738.17), dbSNP rs1447894010, ClinGen allele CA349429269.
Genomic context (GRCh38, chr2:178,581,993, plus strand): 5'-TGGATGCGTCACTGGGTTTGCCTGGTCCAGCTTTATTTATAGCTGTAACACGGAACTCAT[A>G]TTCGGTACCTTCTTGAAGACCTGTTGCTTTTAATGTTCTTTCTATAATAGGTTTTCTGTT-3'
Protein context (NP_001254479.2, residues 22116-22136): KATGLQEGTE[Tyr22126His]EFRVTAINKA

ClinVar aggregate classification (germline): Uncertain significance. Review status: criteria provided, multiple submitters, no conflicts (2 of 4 stars). 10 submissions from 6 submitters: Uncertain significance (10). Last evaluated 2025-12-01.

Conditions:
Tibial muscular dystrophy (TMD). Also called: Udd Distal Myopathy – Tibial Muscular Dystrophy; UDD MYOPATHY; Tibial muscular dystrophy, tardive. Identifiers: Orphanet 609, MedGen C1838244, MONDO:0010870, OMIM 600334.
Dilated cardiomyopathy 1G (CMD1G). Identifiers: Orphanet 154, MedGen C1858763, MONDO:0011400, OMIM 604145.
Early-onset myopathy with fatal cardiomyopathy (CMYO5). Also called: CONGENITAL MYOPATHY 5 WITH CARDIOMYOPATHY; Salih Myopathy. Identifiers: Orphanet 289377, MedGen C2673677, MONDO:0012714, OMIM 611705. Disease mechanism: loss of function.
Myopathy, myofibrillar, 9, with early respiratory failure (MFM9). Also called: MYOPATHY, PROXIMAL, WITH EARLY RESPIRATORY MUSCLE INVOLVEMENT; Hereditary myopathy with early respiratory failure; Myopathy, distal, with early respiratory failure, autosomal dominant; EDSTROM MYOPATHY. Identifiers: Orphanet 178464, Orphanet 34521, MedGen C1863599, MONDO:0011362, OMIM 603689.
Autosomal recessive limb-girdle muscular dystrophy type 2J (LGMDR10). Also called: Limb-girdle muscular dystrophy, type 2J; MUSCULAR DYSTROPHY, LIMB-GIRDLE, AUTOSOMAL RECESSIVE 10. Identifiers: Orphanet 140922, MedGen C1837342, MONDO:0012127, OMIM 608807.

Allele frequency attached by ClinVar (database versions not stated): gnomAD exomes below 0.00001 and 0.00001.
gnomAD v4.1: 12 of 1,613,296 alleles (0.00074%); highest among the groups gnomAD compares: Middle Eastern, 0.099%; no homozygotes.

Submissions (10):

CeGaT Center for Human Genetics Tuebingen
Classification: Uncertain significance. Last evaluated: 2025-12-01. Review status: criteria provided, single submitter. Criteria: CeGaT Center For Human Genetics Tuebingen Variant Classification Criteria Version 2. Collection method: clinical testing. Allele origin: germline. Affected: yes. Observed: 1 variant allele.
Comment: TTN: PM2, PP3

Genomic Medicine Center of Excellence, King Faisal Specialist Hospital and Research Centre
Classification: Uncertain significance for Dilated cardiomyopathy 1G. Last evaluated: 2024-12-18. Review status: criteria provided, single submitter. Criteria: ACMG Guidelines, 2015. Collection method: clinical testing. Allele origin: germline.

GeneDx
Classification: Uncertain significance. Last evaluated: 2022-01-31. Review status: criteria provided, single submitter. Criteria: GeneDx Variant Classification Process June 2021. Collection method: clinical testing. Allele origin: germline. Affected: yes.
Comment: Not observed at significant frequency in large population cohorts (gnomAD); Missense variant in a gene in which most reported pathogenic variants are truncating/loss-of-function; Has not been previously published as pathogenic or benign to our knowledge; This variant is associated with the following publications: (PMID: 23975875)

Mayo Clinic Laboratories, Mayo Clinic
Classification: Uncertain significance. Last evaluated: 2021-11-12. Review status: criteria provided, single submitter. Criteria: ACMG Guidelines, 2015. Collection method: clinical testing. Allele origin: germline.

Baylor Genetics
Classification: Uncertain significance for Autosomal recessive limb-girdle muscular dystrophy type 2J. Last evaluated: 2020-05-05. Review status: criteria provided, single submitter. Criteria: ACMG Guidelines, 2015. Collection method: clinical testing. Allele origin: unknown. Affected: yes.
Comment: This variant was determined to be of uncertain significance according to ACMG Guidelines, 2015 [PMID:25741868].

Illumina Laboratory Services, Illumina
Classification: Uncertain significance for Autosomal recessive limb-girdle muscular dystrophy type 2J. Last evaluated: 2018-01-13. Review status: criteria provided, single submitter. Criteria: ICSL Variant Classification Criteria 13 December 2019. Collection method: clinical testing. Allele origin: germline.

Illumina Laboratory Services, Illumina
Classification: Uncertain significance for Early-onset myopathy with fatal cardiomyopathy. Last evaluated: 2018-01-13. Review status: criteria provided, single submitter. Criteria: ICSL Variant Classification Criteria 13 December 2019. Collection method: clinical testing. Allele origin: germline.

Illumina Laboratory Services, Illumina
Classification: Uncertain significance for Myopathy, myofibrillar, 9, with early respiratory failure. Last evaluated: 2018-01-13. Review status: criteria provided, single submitter. Criteria: ICSL Variant Classification Criteria 13 December 2019. Collection method: clinical testing. Allele origin: germline.

Illumina Laboratory Services, Illumina
Classification: Uncertain significance for Dilated cardiomyopathy 1G. Last evaluated: 2018-01-13. Review status: criteria provided, single submitter. Criteria: ICSL Variant Classification Criteria 13 December 2019. Collection method: clinical testing. Allele origin: germline.

Illumina Laboratory Services, Illumina
Classification: Uncertain significance for Tibial muscular dystrophy. Last evaluated: 2018-01-13. Review status: criteria provided, single submitter. Criteria: ICSL Variant Classification Criteria 13 December 2019. Collection method: clinical testing. Allele origin: germline.